The following is an entry in ClinVar:

ClinVar aggregate classification (germline): Uncertain significance (1 of 4 stars; one submission).

Conditions:
Supravalvar aortic stenosis (SVAS). Also called: Supravalvar aortic stenosis, Eisenberg type. Identifiers: Orphanet 3193, MedGen C0003499, MONDO:0008504, OMIM 185500, HP:0004381.

Submission:

Labcorp Genetics (formerly Invitae), Labcorp
Classification: Uncertain significance for Supravalvar aortic stenosis. Last evaluated: 2024-03-09. Review status: criteria provided, single submitter. Criteria: Invitae Variant Classification Sherloc (09022015). Collection method: clinical testing. Allele origin: germline.
Comment: This variant, c.1680_1682del, results in the deletion of 1 amino acid(s) of the ELN protein (p.Ala561del), but otherwise preserves the integrity of the reading frame. This variant is not present in population databases (gnomAD no frequency). This variant has not been reported in the literature in individuals affected with ELN-related conditions. Experimental studies and prediction algorithms are not available or were not evaluated, and the functional significance of this variant is currently unknown. In summary, the available evidence is currently insufficient to determine the role of this variant in disease. Therefore, it has been classified as a Variant of Uncertain Significance.

NM_000501.4(ELN):c.1593_1595del (p.Ala532del)

Genes: ELN (elastin; plus strand), ELN-AS1 (ELN antisense RNA 1; minus strand). Cytogenetic location: 7q11.23.
Variant type: Deletion.
Coding change: c.1593_1595del on transcript NM_000501.4 (MANE Select); coding-DNA positions 1593 to 1595, 3 bases deleted (TGC; older notation c.1593_1595delTGC).
Protein change: p.Ala532del; deletes alanine 532.
Molecular consequence: intron variant (on NM_001278916.2).
Genome position (GRCh38, 1-based): chr7:74,060,156-74,060,158, TGC deleted; deleting any 3 consecutive bases within chr7:74,060,154-74,060,158 gives the same sequence; the c. name uses the placement nearest the transcript's 3' end. VCF-style (leftmost placement, unchanged base first): chr7-74060153-CGCT-C. GRCh37 (hg19) VCF-style: chr7-73474483-CGCT-C.
Other names: c.1506_1508del, p.Ala503del (NM_001081752.3); c.1551_1553del, p.Ala518del (NM_001081753.3); c.1608_1610del, p.Ala537del (NM_001081754.3); c.1536_1538del, p.Ala513del (NM_001081755.3); c.1593_1595del, p.Ala532del (NM_001278912.2); c.1350_1352del, p.Ala451del (NM_001278913.2); c.1521_1523del, p.Ala508del (NM_001278914.2); c.1611_1613del, p.Ala538del (NM_001278915.2); and 4 more; short protein forms A503del, A532del, A451del, A518del, A538del, A443del, A508del, A513del.
Identifiers: ClinVar variation 3645238 (VCV003645238.2).